The following is an entry in ClinVar:

NM_000293.3(PHKB):c.178T>G (p.Leu60Val)

Genes: PHKB (phosphorylase kinase regulatory subunit beta; plus strand), LOC112449713 (Sharpr-MPRA regulatory region 10524; plus strand). Cytogenetic location: 16q12.1.
Variant type: single nucleotide variant.
Coding change: c.178T>G on transcript NM_000293.3 (MANE Select); coding-DNA position 178, T replaced by G.
Protein change: p.Leu60Val; replaces leucine 60 with valine.
Molecular consequence: missense variant.
Genome position (GRCh38, 1-based): chr16:47,499,767, T>G. VCF-style: chr16-47499767-T-G. GRCh37 (hg19) VCF-style: chr16-47533678-T-G.
Other names: c.157T>G, p.Leu53Val (NM_001031835.3); c.178T>G, p.Leu60Val (NM_001363837.1); c.178T>G (NM_000293.2); short protein forms L53V, L60V.
Identifiers: ClinVar variation 2065727 (VCV002065727.2), dbSNP rs748181833, ClinGen allele CA8040395.

ClinVar aggregate classification (germline): Uncertain significance. Review status: criteria provided, multiple submitters, no conflicts (2 of 4 stars). 2 submissions from 2 submitters: Uncertain significance (2). Last evaluated 2025-12-02.

Conditions:
Inborn genetic diseases. Identifiers: MedGen C0950123, MeSH D030342.
Glycogen storage disease IXb (GSD9B). Also called: GLYCOGENOSIS OF LIVER AND MUSCLE, AUTOSOMAL RECESSIVE; GSD IXb; PHOSPHORYLASE KINASE DEFICIENCY OF LIVER AND MUSCLE, AUTOSOMAL RECESSIVE. Identifiers: Orphanet 79240, MedGen C0543514, MONDO:0009868, OMIM 261750.

Allele frequency attached by ClinVar (database versions not stated): ExAC 0.00001; gnomAD 0.00002; TOPMed 0.00002.
gnomAD v4.1: 24 of 1,614,090 alleles (0.0015%); highest among the groups gnomAD compares: Middle Eastern, 0.016%; no homozygotes.

Submissions (2):

Ambry Genetics
Classification: Uncertain significance for Inborn genetic diseases. Last evaluated: 2025-12-02. Review status: criteria provided, single submitter. Criteria: Ambry Variant Classification Scheme 2023. Collection method: clinical testing. Allele origin: germline.

Labcorp Genetics (formerly Invitae), Labcorp
Classification: Uncertain significance for Glycogen storage disease IXb. Last evaluated: 2022-06-11. Review status: criteria provided, single submitter. Criteria: Invitae Variant Classification Sherloc (09022015). Collection method: clinical testing. Allele origin: germline.
Comment: This sequence change replaces leucine, which is neutral and non-polar, with valine, which is neutral and non-polar, at codon 60 of the PHKB protein (p.Leu60Val). This variant is present in population databases (rs748181833, gnomAD 0.004%). This variant has not been reported in the literature in individuals affected with PHKB-related conditions. Algorithms developed to predict the effect of missense changes on protein structure and function output the following: SIFT: "Tolerated"; PolyPhen-2: "Benign"; Align-GVGD: "Class C0". The valine amino acid residue is found in multiple mammalian species, which suggests that this missense change does not adversely affect protein function. In summary, the available evidence is currently insufficient to determine the role of this variant in disease. Therefore, it has been classified as a Variant of Uncertain Significance.